The following is an entry in ClinVar:

NM_001199107.2(TBC1D24):c.1612C>G (p.Leu538Val)

Gene: TBC1D24 (TBC1 domain family member 24; plus strand). Cytogenetic location: 16p13.3.
Variant type: single nucleotide variant.
Coding change: c.1612C>G on transcript NM_001199107.2 (MANE Select); coding-DNA position 1612, C replaced by G.
Protein change: p.Leu538Val; replaces leucine 538 with valine.
Molecular consequence: missense variant.
Genome position (GRCh38, 1-based): chr16:2,500,890, C>G. VCF-style: chr16-2500890-C-G. GRCh37 (hg19) VCF-style: chr16-2550891-C-G.
Other names: c.1594C>G, p.Leu532Val (NM_020705.3); short protein forms L532V, L538V.
Identifiers: ClinVar variation 3776434 (VCV003776434.1).

ClinVar aggregate classification (germline): Uncertain significance (1 of 4 stars; one submission).

Submission:

GeneDx
Classification: Uncertain significance. Last evaluated: 2024-10-02. Review status: criteria provided, single submitter. Criteria: GeneDx Variant Classification Process June 2021. Collection method: clinical testing. Allele origin: germline. Affected: yes.
Comment: Not observed at significant frequency in large population cohorts (gnomAD); In silico analysis supports that this missense variant has a deleterious effect on protein structure/function; Has not been previously published as pathogenic or benign to our knowledge